The following is an entry in ClinVar:

ClinVar aggregate classification (germline): Benign/Likely benign. Review status: criteria provided, multiple submitters, no conflicts (2 of 4 stars). 20 submissions from 18 submitters: Benign (12); Likely benign (1). 7 of the submissions do not count toward it. Last evaluated 2026-02-04.

Conditions:
Amyotrophic lateral sclerosis type 4 (ALS4). Also called: AMYOTROPHIC LATERAL SCLEROSIS 4, JUVENILE; NEURONOPATHY, DISTAL HEREDITARY MOTOR, WITH PYRAMIDAL FEATURES. Identifiers: Orphanet 357043, MedGen C1865409, MONDO:0011223, OMIM 602433.
Spinocerebellar ataxia, autosomal recessive, with axonal neuropathy 2 (SCAN2). Also called: Ataxia-ocular apraxia-2; Ataxia with Oculomotor Apraxia Type 2; ATAXIA-OCULOMOTOR APRAXIA 2; Ataxia with Oculomotor Apraxia. Identifiers: Orphanet 64753, MedGen C1853761, MONDO:0018996, OMIM 606002.

Allele frequency attached by ClinVar (database versions not stated): gnomAD 0.44536 and 0.44635; 1000 Genomes Project 0.53874; gnomAD exomes 0.38263; TOPMed 0.46505; 1000 Genomes Project 30x 0.53904; ExAC 0.39261; ESP Exome Variant Server 0.44418.
gnomAD v4.1: 539,537 of 1,613,704 alleles (33%); highest among the groups gnomAD compares: African/African-American, 75%; 103,719 homozygotes.

Submissions (20):

Labcorp Genetics (formerly Invitae), Labcorp
Classification: Benign for Amyotrophic lateral sclerosis type 4; Spinocerebellar ataxia, autosomal recessive, with axonal neuropathy 2. Last evaluated: 2026-02-04. Review status: criteria provided, single submitter. Criteria: Invitae Variant Classification Sherloc (09022015). Collection method: clinical testing. Allele origin: germline.

Blueprint Genetics
Classification: Likely benign. Last evaluated: 2024-11-27. Review status: criteria provided, single submitter. Criteria: ACMG Guidelines, 2015. Collection method: clinical testing. Allele origin: germline.

Genome-Nilou Lab
Classification: Benign for Spinocerebellar ataxia, autosomal recessive, with axonal neuropathy 2. Last evaluated: 2023-02-08. Review status: criteria provided, single submitter. Criteria: ACMG Guidelines, 2015. Collection method: clinical testing. Allele origin: germline.

Genome-Nilou Lab
Classification: Benign for Amyotrophic lateral sclerosis type 4. Last evaluated: 2023-02-08. Review status: criteria provided, single submitter. Criteria: ACMG Guidelines, 2015. Collection method: clinical testing. Allele origin: germline.

Illumina Laboratory Services, Illumina
Classification: Benign for Amyotrophic lateral sclerosis type 4. Last evaluated: 2018-01-13. Review status: criteria provided, single submitter. Criteria: ICSL Variant Classification Criteria 13 December 2019. Collection method: clinical testing. Allele origin: germline.
Comment: This variant was observed in the ICSL laboratory as part of a predisposition screen in an ostensibly healthy population. It had not been previously curated by ICSL or reported in the Human Gene Mutation Database (HGMD: prior to June 1st, 2018), and was therefore a candidate for classification through an automated scoring system. Utilizing variant allele frequency, disease prevalence and penetrance estimates, and inheritance mode, an automated score was calculated to assess if this variant is too frequent to cause the disease. Based on the score and internal cut-off values, a variant classified as benign is not then subjected to further curation. The score for this variant resulted in a classification of benign for this disease.

Illumina Laboratory Services, Illumina
Classification: Benign for Spinocerebellar ataxia, autosomal recessive, with axonal neuropathy 2. Last evaluated: 2018-01-13. Review status: criteria provided, single submitter. Criteria: ICSL Variant Classification Criteria 13 December 2019. Collection method: clinical testing. Allele origin: germline.
Comment: the same text as in the submission from Illumina Laboratory Services, Illumina above.

Athena Diagnostics
Classification: Benign. Last evaluated: 2017-11-17. Review status: criteria provided, single submitter. Criteria: Athena Diagnostics Criteria. Collection method: clinical testing. Allele origin: germline.

Laboratory for Molecular Medicine, Mass General Brigham Personalized Medicine
Classification: Benign. Last evaluated: 2016-03-29. Review status: criteria provided, single submitter. Criteria: LMM Criteria. Collection method: clinical testing. Allele origin: germline.
Comment: Variant identified in a genome or exome case(s) and assessed due to predicted null impact of the variant or pathogenic assertions in the literature or databases. Disclaimer: This variant has not undergone full assessment. The following are preliminary notes: MAF

Mayo Clinic Laboratories, Mayo Clinic
Classification: Benign. Last evaluated: 2015-09-09. Review status: criteria provided, single submitter. Criteria: ACMG Guidelines, 2015. Collection method: clinical testing. Allele origin: germline. Observed: 1,444 variant alleles.

GeneDx
Classification: Benign. Last evaluated: 2015-04-29. Review status: criteria provided, single submitter. Criteria: GeneDx Variant Classification (06012015). Collection method: clinical testing. Allele origin: germline. Affected: yes.
Comment: This variant is considered likely benign or benign based on one or more of the following criteria: it is a conservative change, it occurs at a poorly conserved position in the protein, it is predicted to be benign by multiple in silico algorithms, and/or has population frequency not consistent with disease.

Eurofins Ntd Llc (ga)
Classification: Benign. Last evaluated: 2012-08-14. Review status: criteria provided, single submitter. Criteria: EGL Classification Definitions 2015. Collection method: clinical testing. Allele origin: germline. Observed: 4 variant alleles, 2 heterozygotes, 2 homozygotes.

Breakthrough Genomics
Classification: Benign. Review status: criteria provided, single submitter. Criteria: ACMG Guidelines, 2015. Collection method: not provided. Allele origin: germline. Inheritance: Autosomal recessive inheritance. Affected: yes.

PreventionGenetics, part of Exact Sciences
Classification: Benign. Review status: criteria provided, single submitter. Criteria: ACMG Guidelines, 2015. Collection method: clinical testing. Allele origin: germline.

Clinical Genetics DNA and cytogenetics Diagnostics Lab, Erasmus MC, Erasmus Medical Center
Classification: Benign. Review status: no assertion criteria provided. Collection method: clinical testing. Allele origin: germline. Affected: yes. Study: VKGL Data-share Consensus. Not counted in ClinVar's aggregate classification.

Clinical Genetics, Academic Medical Center
Classification: Benign. Review status: no assertion criteria provided. Collection method: clinical testing. Allele origin: germline. Affected: yes. Study: VKGL Data-share Consensus. Not counted in ClinVar's aggregate classification.

Diagnostic Laboratory, Department of Genetics, University Medical Center Groningen
Classification: Benign. Review status: no assertion criteria provided. Collection method: clinical testing. Allele origin: germline. Affected: yes. Study: VKGL Data-share Consensus. Not counted in ClinVar's aggregate classification.

Genetic Services Laboratory, University of Chicago
Classification: Likely benign for AllHighlyPenetrant. Review status: no assertion criteria provided. Collection method: clinical testing. Allele origin: germline. Not counted in ClinVar's aggregate classification.
Comment: Likely benign based on allele frequency in 1000 Genomes Project or ESP global frequency and its presence in a patient with a rare or unrelated disease phenotype. NOT Sanger confirmed.

Genome Diagnostics Laboratory, Amsterdam University Medical Center
Classification: Benign. Review status: no assertion criteria provided. Collection method: clinical testing. Allele origin: germline. Affected: yes. Study: VKGL Data-share Consensus. Not counted in ClinVar's aggregate classification.

Genome Diagnostics Laboratory, University Medical Center Utrecht
Classification: Benign. Review status: no assertion criteria provided. Collection method: clinical testing. Allele origin: germline. Affected: yes. Study: VKGL Data-share Consensus. Not counted in ClinVar's aggregate classification.

Joint Genome Diagnostic Labs from Nijmegen and Maastricht, Radboudumc and MUMC+
Classification: Benign. Review status: no assertion criteria provided. Collection method: clinical testing. Allele origin: germline. Affected: yes. Study: VKGL Data-share Consensus. Not counted in ClinVar's aggregate classification.

NM_015046.7(SETX):c.7759A>G (p.Ile2587Val)

Gene: SETX (senataxin; minus strand). Cytogenetic location: 9q34.13.
Variant type: single nucleotide variant.
Coding change: c.7759A>G on transcript NM_015046.7 (MANE Select); coding-DNA position 7759, A replaced by G.
Protein change: p.Ile2587Val; replaces isoleucine 2587 with valine.
Molecular consequence: missense variant.
Genome position (GRCh38, 1-based): chr9:132,264,514, T>C on the plus strand (A>G on the coding strand, the complement: SETX is on the minus strand). VCF-style: chr9-132264514-T-C. GRCh37 (hg19) VCF-style: chr9-135139901-T-C.
Other names: c.7759A>G, p.Ile2587Val (NM_001351527.2); c.7846A>G, p.Ile2616Val (NM_001351528.2); short protein forms I2587V, I2616V.
Identifiers: ClinVar variation 95669 (VCV000095669.70), dbSNP rs1056899, ClinGen allele CA148730.